The following is an entry in ClinVar:

ClinVar aggregate classification (germline): Likely pathogenic (1 of 4 stars; one submission).

Conditions:
Abetalipoproteinaemia (ABL). Also called: Abetalipoproteinemia; Abetalipoproteinemia neuropathy; Apolipoprotein B deficiency; Congenital betalipoprotein deficiency syndrome; MTP DEFICIENCY. Identifiers: Orphanet 14, MedGen C0000744, MONDO:0008692, OMIM 200100, HP:0008181.

Submission:

Myriad Genetics, Inc.
Classification: Likely pathogenic for Abetalipoproteinaemia. Last evaluated: 2021-11-15. Review status: criteria provided, single submitter. Criteria: Myriad Women's Health Autosomal Recessive and X-Linked Classification Criteria (2021). Collection method: clinical testing. Allele origin: unknown.
Comment: NM_000253.2(MTTP):c.1940delA(N647Tfs*2) is expected to be pathogenic in the context of abetalipoproteinemia. This variant is predicted to lead to an abnormal or absent protein product due to the creation of a premature termination codon in MTTP, a gene where loss-of-function variants are known to be pathogenic. Please note: this variant was assessed in the context of healthy population screening.

NM_001386140.1(MTTP):c.1940del (p.Asn647fs)

Gene: MTTP (microsomal triglyceride transfer protein; plus strand). Cytogenetic location: 4q23.
Variant type: Deletion.
Coding change: c.1940del on transcript NM_001386140.1 (MANE Select); coding-DNA position 1940, one base deleted (A; older notation c.1940delA).
Protein change: p.Asn647fs; shifts the reading frame from asparagine 647.
Molecular consequence: frameshift variant.
Genome position (GRCh38, 1-based): chr4:99,611,404, A deleted; the last of 2 consecutive A bases (chr4:99,611,403-99,611,404); deleting either gives the same sequence. VCF-style (leftmost placement, unchanged base first): chr4-99611402-TA-T. GRCh37 (hg19) VCF-style: chr4-100532559-TA-T.
Other names: c.1940del, p.Asn647fs (NM_000253.4); c.1691del, p.Asn564fs (NM_001300785.2); short protein forms N564fs, N647fs.
Identifiers: ClinVar variation 1724637 (VCV001724637.2), dbSNP rs2476145943, ClinGen allele CA2580071913.